The following is an entry in ClinVar:

ClinVar aggregate classification (germline): Uncertain significance. Review status: criteria provided, multiple submitters, no conflicts (2 of 4 stars). 2 submissions from 2 submitters: Uncertain significance (2). Last evaluated 2023-06-05.

Allele frequency attached by ClinVar (database versions not stated): gnomAD exomes below 0.00001; ExAC 0.00001.

Submissions (2):

Labcorp Genetics (formerly Invitae), Labcorp
Classification: Uncertain significance. Last evaluated: 2023-06-05. Review status: criteria provided, single submitter. Criteria: Invitae Variant Classification Sherloc (09022015). Collection method: clinical testing. Allele origin: germline.
Comment: In summary, the available evidence is currently insufficient to determine the role of this variant in disease. Therefore, it has been classified as a Variant of Uncertain Significance. This variant has not been reported in the literature in individuals affected with A2ML1-related conditions. This variant is present in population databases (rs761341844, gnomAD 0.003%). This sequence change creates a premature translational stop signal (p.Gln986*) in the A2ML1 gene. It is expected to result in an absent or disrupted protein product. However, the current clinical and genetic evidence is not sufficient to establish whether loss-of-function variants in A2ML1 cause disease.

CeGaT Center for Human Genetics Tuebingen
Classification: Uncertain significance. Last evaluated: 2022-06-01. Review status: criteria provided, single submitter. Criteria: CeGaT Center For Human Genetics Tuebingen Variant Classification Criteria Version 2. Collection method: clinical testing. Allele origin: germline. Affected: yes. Observed: 1 variant allele.

NM_144670.6(A2ML1):c.2956C>T (p.Gln986Ter)

Gene: A2ML1 (alpha-2-macroglobulin like 1; plus strand). Cytogenetic location: 12p13.31.
Variant type: single nucleotide variant.
Coding change: c.2956C>T on transcript NM_144670.6 (MANE Select); coding-DNA position 2956, C replaced by T.
Protein change: p.Gln986Ter; replaces glutamine 986 with a stop codon.
Molecular consequence: nonsense.
Genome position (GRCh38, 1-based): chr12:8,857,271, C>T. VCF-style: chr12-8857271-C-T. GRCh37 (hg19) VCF-style: chr12-9009867-C-T.
Other names: c.1483C>T, p.Gln495Ter (NM_001282424.3); short protein forms Q495*, Q986*.
Identifiers: ClinVar variation 2642689 (VCV002642689.27), dbSNP rs761341844, ClinGen allele CA6436211.